The following is an entry in ClinVar:

NM_000368.5(TSC1):c.1119C>G (p.Tyr373Ter)

Gene: TSC1 (TSC complex subunit 1; minus strand). Cytogenetic location: 9q34.13.
Variant type: single nucleotide variant.
Coding change: c.1119C>G on transcript NM_000368.5 (MANE Select); coding-DNA position 1119, C replaced by G.
Protein change: p.Tyr373Ter; replaces tyrosine 373 with a stop codon.
Molecular consequence: nonsense. On other transcripts: non-coding transcript variant (5).
Genome position (GRCh38, 1-based): chr9:132,911,024, G>C on the plus strand (C>G on the coding strand, the complement: TSC1 is on the minus strand). VCF-style: chr9-132911024-G-C. GRCh37 (hg19) VCF-style: chr9-135786411-G-C.
Other names: c.1119C>G, p.Tyr373Ter (NM_001162426.2, NM_001406592.1, NM_001406593.1 and 16 more transcripts); c.966C>G, p.Tyr322Ter (NM_001162427.2, NM_001406611.1, NM_001406612.1 and 2 more transcripts); c.756C>G, p.Tyr252Ter (NM_001362177.2, NM_001406614.1, NM_001406615.1 and 10 more transcripts); c.69C>G, p.Tyr23Ter (NM_001406630.1, NM_001406629.1); c.168C>G, p.Tyr56Ter (NM_001406626.1, NM_001406627.1, NM_001406628.1); short protein forms Y322*, Y373*, Y23*, Y56*, Y252*.
Identifiers: ClinVar variation 2910237 (VCV002910237.4), dbSNP rs2131957828, ClinGen allele CA375367389.

ClinVar aggregate classification (germline): Pathogenic. Review status: criteria provided, multiple submitters, no conflicts (2 of 4 stars). 2 submissions from 2 submitters: Pathogenic (2). Last evaluated 2023-10-16.

Conditions:
Tuberous sclerosis 1 (TSC1). Identifiers: Orphanet 805, MedGen C1854465, MONDO:0008612, OMIM 191100.

Submissions (2):

Labcorp Genetics (formerly Invitae), Labcorp
Classification: Pathogenic for Tuberous sclerosis 1. Last evaluated: 2023-10-16. Review status: criteria provided, single submitter. Criteria: Invitae Variant Classification Sherloc (09022015). Collection method: clinical testing. Allele origin: germline.
Comment: This sequence change creates a premature translational stop signal (p.Tyr373*) in the TSC1 gene. It is expected to result in an absent or disrupted protein product. Loss-of-function variants in TSC1 are known to be pathogenic (PMID: 10227394, 17304050). This variant is not present in population databases (gnomAD no frequency). This premature translational stop signal has been observed in individual(s) with tuberous sclerosis complex (PMID: 29476190). For these reasons, this variant has been classified as Pathogenic.

Victorian Clinical Genetics Services, Murdoch Childrens Research Institute
Classification: Pathogenic for Tuberous sclerosis 1. Last evaluated: 2023-07-16. Review status: criteria provided, single submitter. Criteria: ACMG Guidelines, 2015. Collection method: clinical testing. Allele origin: germline. Inheritance: Autosomal dominant inheritance. Affected: yes.
Comment: Based on the classification scheme VCGS_Germline_v1.3.4, this variant is classified as Pathogenic. Following criteria are met: 0102 - Loss of function is a known mechanism of disease in this gene and is associated with tuberous sclerosis-1 (MIM#191100). (I) 0107 - This gene is associated with autosomal dominant disease. (I) 0115 - Variants in this gene are known to have variable expressivity (OMIM). (I) 0201 - Variant is predicted to cause nonsense-mediated decay (NMD) and loss of protein (premature termination codon is located at least 54 nucleotides upstream of the final exon-exon junction). (SP) 0251 - This variant is heterozygous. (I) 0301 - Variant is absent from gnomAD (both v2 and v3). (SP) 0701 - Other NMD-predicted variants comparable to the one identified in this case have very strong previous evidence for pathogenicity (ClinVar, DECIPHER). (SP) 0802 - This variant has moderate previous evidence of pathogenicity in unrelated individuals. This variant has been reported as de novo in an individual with tuberous sclerosis (PMID: 33679864, PMID: 29476190). A different variant resulting in the same protein change (c.1118dup, p.Tyr373*) has also been reported in a patient with tuberous sclerosis (PMID: 20082901). (SP) 1208 - Inheritance information for this variant is not currently available in this individual. (I) Legend: (SP) - Supporting pathogenic, (I) - Information, (SB) - Supporting benign

Literature cited by the submitters: PubMed 10227394 (cited by Labcorp Genetics (formerly Invitae), Labcorp); PubMed 17304050 (cited by Labcorp Genetics (formerly Invitae), Labcorp); PubMed 29476190 (cited by Labcorp Genetics (formerly Invitae), Labcorp and Victorian Clinical Genetics Services, Murdoch Childrens Research Institute); PubMed 20082901 (cited by Victorian Clinical Genetics Services, Murdoch Childrens Research Institute); PubMed 33679864 (cited by Victorian Clinical Genetics Services, Murdoch Childrens Research Institute).